The following is an entry in ClinVar:

NM_000702.4(ATP1A2):c.*9GAA[2]

Gene: ATP1A2 (ATPase Na+/K+ transporting subunit alpha 2; plus strand). Cytogenetic location: 1q23.2.
Variant type: Microsatellite.
Coding change: c.*9GAA[2] on transcript NM_000702.4 (MANE Select); two copies in a row of the 3-base unit GAA starting at c.*9; the reference has three copies in a row; one copy, 3 bases deleted.
Molecular consequence: 3 prime UTR variant.
Genome position (GRCh38, 1-based): chr1:160,141,337-160,141,339, GAA deleted; deleting any 3 consecutive bases within chr1:160,141,331-160,141,339 gives the same sequence; the position shown is the placement nearest the transcript's 3' end. VCF-style (leftmost placement, unchanged base first): chr1-160141330-GGAA-G. GRCh37 (hg19) VCF-style: chr1-160111120-GGAA-G.
Identifiers: ClinVar variation 204879 (VCV000204879.1), dbSNP rs796052274, ClinGen allele CA313262.
Genomic context (GRCh38, chr1:160,141,330, plus strand): 5'-CTCCACTCCCAATCTCTCTAACAGGCTGGGTGGAGAAGGAGACATACTACTGACCCCATT[GGAA>G]GAAGAACCAGGCATGGAAAGATGGGGAGCTCTGGAGGTGTTGTGGGGATGGTGATGGAGA-3'

ClinVar aggregate classification (germline): Benign (1 of 4 stars; one submission).

Submission:

GeneDx
Classification: Benign. Last evaluated: 2014-09-22. Review status: criteria provided, single submitter. Criteria: GeneDx Variant Classification (06012015). Collection method: clinical testing. Allele origin: germline. Affected: yes.
Comment: The variant is found in EPILEPSY panel(s).